The following is an entry in ClinVar:

ClinVar aggregate classification (germline): Benign/Likely benign. Review status: criteria provided, multiple submitters, no conflicts (2 of 4 stars). 12 submissions from 12 submitters: Benign (7); Likely benign (3). 2 of the submissions do not count toward it. Last evaluated 2026-07-01.

Conditions:
LAMA2-related muscular dystrophy (LAMA2-RD). Also called: Laminin alpha 2-related dystrophy. Identifiers: MedGen C5679788, MONDO:0100228.
Congenital muscular dystrophy due to partial LAMA2 deficiency. Identifiers: MedGen C1842898.

Allele frequency attached by ClinVar (database versions not stated): 1000 Genomes Project 30x 0.00297; 1000 Genomes Project 0.00300; TOPMed 0.00530; gnomAD 0.00534 and 0.00547; ExAC 0.00544; gnomAD exomes 0.00557 and 0.00835; ESP Exome Variant Server 0.00684.
gnomAD v4.1: 13,208 of 1,613,168 alleles (0.82%); highest among the groups gnomAD compares: Non-Finnish European, 0.96%; 77 homozygotes.

Submissions (12):

CeGaT Center for Human Genetics Tuebingen
Classification: Benign. Last evaluated: 2026-07-01. Review status: criteria provided, single submitter. Criteria: CeGaT Center For Human Genetics Tuebingen Variant Classification Criteria Version 2. Collection method: clinical testing. Allele origin: germline. Affected: yes. Observed: 37 variant alleles.
Comment: LAMA2: BP4, BP7, BS1, BS2

Labcorp Genetics (formerly Invitae), Labcorp
Classification: Benign for LAMA2-related muscular dystrophy. Last evaluated: 2026-02-04. Review status: criteria provided, single submitter. Criteria: Invitae Variant Classification Sherloc (09022015). Collection method: clinical testing. Allele origin: germline.

Blueprint Genetics
Classification: Likely benign. Last evaluated: 2024-11-26. Review status: criteria provided, single submitter. Criteria: ACMG Guidelines, 2015. Collection method: clinical testing. Allele origin: germline.

Athena Diagnostics
Classification: Benign. Last evaluated: 2024-11-07. Review status: criteria provided, single submitter. Criteria: Athena Diagnostics Criteria. Collection method: clinical testing. Allele origin: unknown.

Mayo Clinic Laboratories, Mayo Clinic
Classification: Benign. Last evaluated: 2018-04-04. Review status: criteria provided, single submitter. Criteria: ACMG Guidelines, 2015. Collection method: clinical testing. Allele origin: germline. Observed: 54 variant alleles.

Illumina Laboratory Services, Illumina
Classification: Likely benign for Congenital muscular dystrophy due to partial LAMA2 deficiency. Last evaluated: 2018-01-13. Review status: criteria provided, single submitter. Criteria: ICSL Variant Classification Criteria 13 December 2019. Collection method: clinical testing. Allele origin: germline.
Comment: This variant was observed in the ICSL laboratory as part of a predisposition screen in an ostensibly healthy population. It had not been previously curated by ICSL or reported in the Human Gene Mutation Database (HGMD: prior to June 1st, 2018), and was therefore a candidate for classification through an automated scoring system. Utilizing variant allele frequency, disease prevalence and penetrance estimates, and inheritance mode, an automated score was calculated to assess if this variant is too frequent to cause the disease. Based on the score and internal cut-off values, a variant classified as likely benign is not then subjected to further curation. The score for this variant resulted in a classification of likely benign for this disease.

GeneDx
Classification: Benign. Last evaluated: 2017-12-08. Review status: criteria provided, single submitter. Criteria: GeneDx Variant Classification (06012015). Collection method: clinical testing. Allele origin: germline. Affected: yes.
Comment: This variant is considered likely benign or benign based on one or more of the following criteria: it is a conservative change, it occurs at a poorly conserved position in the protein, it is predicted to be benign by multiple in silico algorithms, and/or has population frequency not consistent with disease.

Eurofins Ntd Llc (ga)
Classification: Benign. Last evaluated: 2013-04-17. Review status: criteria provided, single submitter. Criteria: EGL Classification Definitions 2015. Collection method: clinical testing. Allele origin: germline. Observed: 2 variant alleles, 2 heterozygotes.

Breakthrough Genomics
Classification: Likely benign. Review status: criteria provided, single submitter. Criteria: ACMG Guidelines, 2015. Collection method: not provided. Allele origin: germline. Inheritance: Autosomal recessive inheritance. Affected: yes.

PreventionGenetics, part of Exact Sciences
Classification: Benign. Review status: criteria provided, single submitter. Criteria: ACMG Guidelines, 2015. Collection method: clinical testing. Allele origin: germline.

Clinical Genetics DNA and cytogenetics Diagnostics Lab, Erasmus MC, Erasmus Medical Center
Classification: Likely benign. Review status: no assertion criteria provided. Collection method: clinical testing. Allele origin: germline. Affected: yes. Study: VKGL Data-share Consensus. Not counted in ClinVar's aggregate classification.

Laboratory of Diagnostic Genome Analysis, Leiden University Medical Center (LUMC)
Classification: Likely benign. Review status: no assertion criteria provided. Collection method: clinical testing. Allele origin: germline. Affected: yes. Study: VKGL Data-share Consensus. Not counted in ClinVar's aggregate classification.

Literature cited by the submitters: PubMed 28569743 (cited by Athena Diagnostics).

NM_000426.4(LAMA2):c.4470C>T (p.Asp1490=)

Gene: LAMA2 (laminin subunit alpha 2; plus strand). Cytogenetic location: 6q22.33.
Variant type: single nucleotide variant.
Coding change: c.4470C>T on transcript NM_000426.4 (MANE Select); coding-DNA position 4470, C replaced by T.
Protein change: p.Asp1490=; no amino-acid change (aspartic acid 1490 retained).
Molecular consequence: synonymous variant.
Genome position (GRCh38, 1-based): chr6:129,349,331, C>T. VCF-style: chr6-129349331-C-T. GRCh37 (hg19) VCF-style: chr6-129670476-C-T.
Other names: p.Asp1490=; c.4470C>T, p.Asp1490= (NM_001079823.2).
Identifiers: ClinVar variation 92959 (VCV000092959.60), dbSNP rs35089085, ClinGen allele CA146123.
Genomic context (GRCh38, chr6:129,349,331, plus strand): 5'-TTTGCAATCCTTTTCTTTCTGATTCAGTTTCAGCCCCTCTTGTGTCGCAGAAGGACTTGA[C>T]GACTACCGCTGCACGGCTTGTCCACGGGGATATGAAGGCCAGTACTGTGAAAGGTACCAA-3'
Protein context (NP_000417.3, residues 1480-1500): FSPSCVAEGL[Asp1490=]DYRCTACPRG